The following is an entry in ClinVar:

NM_001271.4(CHD2):c.2702C>T (p.Ala901Val)

Gene: CHD2 (chromodomain helicase DNA binding protein 2; plus strand). Cytogenetic location: 15q26.1.
Variant type: single nucleotide variant.
Coding change: c.2702C>T on transcript NM_001271.4 (MANE Select); coding-DNA position 2702, C replaced by T.
Protein change: p.Ala901Val; replaces alanine 901 with valine.
Molecular consequence: missense variant.
Genome position (GRCh38, 1-based): chr15:92,978,358, C>T. VCF-style: chr15-92978358-C-T. GRCh37 (hg19) VCF-style: chr15-93521588-C-T.
Other names: short protein forms A901V.
Identifiers: ClinVar variation 1304278 (VCV001304278.7), dbSNP rs2141843246, ClinGen allele CA393893926.

ClinVar aggregate classification (germline): Uncertain significance. Review status: criteria provided, multiple submitters, no conflicts (2 of 4 stars). 3 submissions from 3 submitters: Uncertain significance (3). Last evaluated 2022-08-15.

Conditions:
Developmental and epileptic encephalopathy 94 (DEE94). Also called: CHD2-Related Neurodevelopmental Disorders; Epileptic encephalopathy, childhood-onset. Identifiers: Orphanet 1942, Orphanet 2382, MedGen C3809278, MONDO:0014150, OMIM 615369.
Inborn genetic diseases. Identifiers: MedGen C0950123, MeSH D030342.

Submissions (3):

Labcorp Genetics (formerly Invitae), Labcorp
Classification: Uncertain significance for Developmental and epileptic encephalopathy 94. Last evaluated: 2022-08-15. Review status: criteria provided, single submitter. Criteria: Invitae Variant Classification Sherloc (09022015). Collection method: clinical testing. Allele origin: germline.
Comment: This sequence change replaces alanine, which is neutral and non-polar, with valine, which is neutral and non-polar, at codon 901 of the CHD2 protein (p.Ala901Val). This variant is not present in population databases (gnomAD no frequency). This variant has not been reported in the literature in individuals affected with CHD2-related conditions. ClinVar contains an entry for this variant (Variation ID: 1304278). Advanced modeling of protein sequence and biophysical properties (such as structural, functional, and spatial information, amino acid conservation, physicochemical variation, residue mobility, and thermodynamic stability) performed at Invitae indicates that this missense variant is not expected to disrupt CHD2 protein function. In summary, the available evidence is currently insufficient to determine the role of this variant in disease. Therefore, it has been classified as a Variant of Uncertain Significance.

Ambry Genetics
Classification: Uncertain significance for Inborn genetic diseases. Last evaluated: 2021-06-22. Review status: criteria provided, single submitter. Criteria: Ambry Variant Classification Scheme 2023. Collection method: clinical testing. Allele origin: germline.

GeneDx
Classification: Uncertain significance. Last evaluated: 2020-10-29. Review status: criteria provided, single submitter. Criteria: GeneDx Variant Classification Process June 2021. Collection method: clinical testing. Allele origin: germline. Affected: yes.
Comment: Not observed in large population cohorts (Lek et al., 2016); In silico analysis supports that this missense variant has a deleterious effect on protein structure/function; Has not been previously published as pathogenic or benign to our knowledge